The following is an entry in ClinVar:

NM_004606.5(TAF1):c.2098A>C (p.Lys700Gln)

Gene: TAF1 (TATA-box binding protein associated factor 1; plus strand). Cytogenetic location: Xq13.1.
Variant type: single nucleotide variant.
Coding change: c.2098A>C on transcript NM_004606.5 (MANE Select); coding-DNA position 2098, A replaced by C.
Protein change: p.Lys700Gln; replaces lysine 700 with glutamine.
Molecular consequence: missense variant. On other transcripts: non-coding transcript variant (9).
Genome position (GRCh38, 1-based): chrX:71,384,112, A>C. VCF-style: chrX-71384112-A-C. GRCh37 (hg19) VCF-style: chrX-70603962-A-C.
Other names: c.2098A>C, p.Lys700Gln (NM_001286074.2, NM_001440852.1, NM_001440853.1); c.2035A>C, p.Lys679Gln (NM_001440854.1, NM_138923.4); short protein forms K679Q, K700Q.
Identifiers: ClinVar variation 4292866 (VCV004292866.1).
Genomic context (GRCh38, chrX:71,384,112, plus strand): 5'-ATTCTTGCAGAATATAGTGAGGAAAATGGACCCTTAATGATGCAGGTTGGCATGGCAACC[A>C]AGATAAAGAACTATTATAAACGGGTGAGTCTCTGCTCAGAAAATTTTTTTCCCATACATA-3'
Protein context (NP_004597.3, residues 690-710): PLMMQVGMAT[Lys700Gln]IKNYYKRKPG

ClinVar aggregate classification (germline): Uncertain significance (1 of 4 stars; one submission).

Conditions:
Intellectual developmental disorder, X-linked, syndromic 33. Also called: Intellectual disability, X-linked, syndromic 33; X-linked intellectual disability-global development delay-facial dysmorphism-sacral caudal remnant syndrome. Identifiers: Orphanet 480907, MedGen C4225418, MONDO:0010500, OMIM 300966.

Submission:

3billion
Classification: Uncertain significance for Intellectual developmental disorder, X-linked, syndromic 33. Last evaluated: 2024-06-27. Review status: criteria provided, single submitter. Criteria: ACMG Guidelines, 2015. Collection method: clinical testing. Allele origin: germline. Affected: yes.
Comment: The variant is not observed in the gnomAD v4.0.0 dataset. Predicted Consequence/Location: Missense changes are a common disease-causing mechanism. Damaging effect on gene or gene product predicted by in silico programs is uncertain [REVEL: 0.52 (damaging >=0.6, benign <0.4), 3Cnet: 0.22 (damaging >=0.6, benign <0.15)]. Therefore, this variant is classified as VUS according to the recommendation of ACMG/AMP guideline.